The following is an entry in ClinVar:

ClinVar aggregate classification (germline): Uncertain significance. Review status: criteria provided, multiple submitters, no conflicts (2 of 4 stars). 5 submissions from 5 submitters: Uncertain significance (4). 1 of the submissions does not count toward it. Last evaluated 2025-12-07.

Conditions:
Classic or attenuated familial adenomatous polyposis. Identifiers: MedGen CN372698, MONDO:0021057.
Hereditary cancer-predisposing syndrome. Also called: Hereditary neoplastic syndrome; Neoplastic Syndromes, Hereditary; Hereditary Cancer Syndrome; Tumor predisposition. Identifiers: Orphanet 140162, MedGen C0027672, MeSH D009386, MONDO:0015356.
Familial adenomatous polyposis 1 (FAP1). Also called: FAMILIAL ADENOMATOUS POLYPOSIS 1, ATTENUATED; POLYPOSIS, ADENOMATOUS INTESTINAL. Identifiers: MedGen C2713442, MONDO:0021056, OMIM 175100. Disease mechanism: loss of function.

Allele frequency attached by ClinVar (database versions not stated): gnomAD exomes below 0.00001.
gnomAD v4.1: 3 of 1,614,124 alleles (0.00019%); highest among the groups gnomAD compares: Non-Finnish European, 0.000085%; no homozygotes.

Submissions (5):

Ambry Genetics
Classification: Uncertain significance for Hereditary cancer-predisposing syndrome. Last evaluated: 2025-12-07. Review status: criteria provided, single submitter. Criteria: Ambry Variant Classification Scheme 2023. Collection method: clinical testing. Allele origin: germline.
Comment: The p.K1462E variant (also known as c.4384A>G), located in coding exon 15 of the APC gene, results from an A to G substitution at nucleotide position 4384. The lysine at codon 1462 is replaced by glutamic acid, an amino acid with similar properties. This variant was detected as a secondary finding in 1 out of 572 ClinSeq participants, unselected for personal or family history of cancer, who underwent exome sequencing; however, the clinical information for this particular individual was not provided (Johnston JJ et al. Am J Hum Genet, 2012 Jul;91:97-108). This amino acid position is well conserved in available vertebrate species. In addition, in silico predictors for this gene do not accurately predict pathogenicity. Since supporting evidence is limited at this time, the clinical significance of this alteration remains unclear.

Labcorp Genetics (formerly Invitae), Labcorp
Classification: Uncertain significance for Familial adenomatous polyposis 1. Last evaluated: 2025-09-03. Review status: criteria provided, single submitter. Criteria: Invitae Variant Classification Sherloc (09022015). Collection method: clinical testing. Allele origin: germline.
Comment: This sequence change replaces lysine, which is basic and polar, with glutamic acid, which is acidic and polar, at codon 1462 of the APC protein (p.Lys1462Glu). This variant is not present in population databases (gnomAD no frequency). This variant has not been reported in the literature in individuals affected with APC-related conditions. ClinVar contains an entry for this variant (Variation ID: 41506). Invitae Evidence Modeling of protein sequence and biophysical properties (such as structural, functional, and spatial information, amino acid conservation, physicochemical variation, residue mobility, and thermodynamic stability) indicates that this missense variant is not expected to disrupt APC protein function with a negative predictive value of 95%. In summary, the available evidence is currently insufficient to determine the role of this variant in disease. Therefore, it has been classified as a Variant of Uncertain Significance.

All of Us Research Program, National Institutes of Health
Classification: Uncertain significance for Classic or attenuated familial adenomatous polyposis. Last evaluated: 2024-07-10. Review status: criteria provided, single submitter. Criteria: ACMG Guidelines, 2015. Collection method: clinical testing. Allele origin: germline. Inheritance: Autosomal dominant inheritance. Observed: 2 variant alleles, 2 heterozygotes.
Comment: This missense variant replaces lysine with glutamic acid at codon 1462 of the APC protein. Computational prediction suggests that this variant may not impact protein structure and function (internally defined REVEL score threshold <= 0.5, PMID: 27666373). Splice site prediction tools suggest that this variant may not impact RNA splicing. To our knowledge, functional studies have not been performed for this variant. This variant has not been reported in individuals affected with hereditary cancer in the literature. This variant has not been identified in the general population by the Genome Aggregation Database (gnomAD). The available evidence is insufficient to determine the role of this variant in disease conclusively. Therefore, this variant is classified as a Variant of Uncertain Significance.

This study involves interpretation of variants in research participants for the purpose of population health screening. Participant phenotype was not available at the time of variant classification. Additional details can be found in publication PMID: 35346344, PMCID: PMC8962531

Color Diagnostics, LLC DBA Color Health
Classification: Uncertain significance for Hereditary cancer-predisposing syndrome. Last evaluated: 2024-06-13. Review status: criteria provided, single submitter. Criteria: ACMG Guidelines, 2015. Collection method: clinical testing. Allele origin: germline.
Comment: This missense variant replaces lysine with glutamic acid at codon 1462 of the APC protein. Computational prediction suggests that this variant may not impact protein structure and function (internally defined REVEL score threshold <= 0.5, PMID: 27666373). To our knowledge, functional studies have not been reported for this variant. This variant has not been reported in individuals affected with APC-related disorders in the literature. This variant has not been identified in the general population by the Genome Aggregation Database (gnomAD). The available evidence is insufficient to determine the role of this variant in disease conclusively. Therefore, this variant is classified as a Variant of Uncertain Significance.

Biesecker Lab/Clinical Genomics Section, National Institutes of Health
Classification: Uncertain significance. Last evaluated: 2012-07-13. Review status: no assertion criteria provided. Collection method: research. Allele origin: germline. Affected: no. Observed: 1 variant allele. Study: ClinSeq. Not counted in ClinVar's aggregate classification.
ClinVar note: Converted during submission from variant of unknown significance to Uncertain significance.

NM_000038.6(APC):c.4384A>G (p.Lys1462Glu)

Gene: APC (APC regulator of Wnt signaling pathway; plus strand). Cytogenetic location: 5q22.2.
Variant type: single nucleotide variant.
Coding change: c.4384A>G on transcript NM_000038.6 (MANE Select); coding-DNA position 4384, A replaced by G.
Protein change: p.Lys1462Glu; replaces lysine 1462 with glutamic acid.
Molecular consequence: missense variant.
Genome position (GRCh38, 1-based): chr5:112,839,978, A>G. VCF-style: chr5-112839978-A-G. GRCh37 (hg19) VCF-style: chr5-112175675-A-G.
Other names: c.4384A>G (LRG_130t1); c.4384A>G, p.Lys1462Glu (NM_001127510.3, NM_001354895.2); c.4330A>G, p.Lys1444Glu (NM_001127511.3); c.4438A>G, p.Lys1480Glu (NM_001354896.2); c.4414A>G, p.Lys1472Glu (NM_001354897.2); c.4309A>G, p.Lys1437Glu (NM_001354898.2); c.4300A>G, p.Lys1434Glu (NM_001354899.2); c.4261A>G, p.Lys1421Glu (NM_001354900.2); and 6 more; short protein forms K1462E, K1444E, K1371E, K1472E, K1179E, K1302E, K1437E, K1336E.
Identifiers: ClinVar variation 41506 (VCV000041506.22), dbSNP rs202204285, ClinGen allele CA009508.